The following is an entry in ClinVar:

NM_014795.4(ZEB2):c.1308G>A (p.Met436Ile)

Gene: ZEB2 (zinc finger E-box binding homeobox 2; minus strand). Cytogenetic location: 2q22.3.
Variant type: single nucleotide variant.
Coding change: c.1308G>A on transcript NM_014795.4 (MANE Select); coding-DNA position 1308, G replaced by A.
Protein change: p.Met436Ile; replaces methionine 436 with isoleucine.
Molecular consequence: missense variant.
Genome position (GRCh38, 1-based): chr2:144,399,879, C>T on the plus strand (G>A on the coding strand, the complement: ZEB2 is on the minus strand). VCF-style: chr2-144399879-C-T. GRCh37 (hg19) VCF-style: chr2-145157446-C-T.
Other names: c.1236G>A, p.Met412Ile (NM_001171653.2); short protein forms M412I, M436I.
Identifiers: ClinVar variation 1964794 (VCV001964794.5), dbSNP rs1317705599, ClinGen allele CA348712144.

ClinVar aggregate classification (germline): Uncertain significance (1 of 4 stars; one submission).

Conditions:
Mowat-Wilson syndrome (MOWS). Also called: Classic Mowat-Wilson Syndrome. Identifiers: Orphanet 2152, MedGen C1856113, MONDO:0009341, OMIM 235730.

Allele frequency attached by ClinVar (database versions not stated): TOPMed below 0.00001.

Submission:

Labcorp Genetics (formerly Invitae), Labcorp
Classification: Uncertain significance for Mowat-Wilson syndrome. Last evaluated: 2022-09-21. Review status: criteria provided, single submitter. Criteria: Invitae Variant Classification Sherloc (09022015). Collection method: clinical testing. Allele origin: germline.
Comment: Advanced modeling of protein sequence and biophysical properties (such as structural, functional, and spatial information, amino acid conservation, physicochemical variation, residue mobility, and thermodynamic stability) performed at Invitae indicates that this missense variant is not expected to disrupt ZEB2 protein function. In summary, the available evidence is currently insufficient to determine the role of this variant in disease. Therefore, it has been classified as a Variant of Uncertain Significance. This variant has not been reported in the literature in individuals affected with ZEB2-related conditions. This variant is not present in population databases (gnomAD no frequency). This sequence change replaces methionine, which is neutral and non-polar, with isoleucine, which is neutral and non-polar, at codon 436 of the ZEB2 protein (p.Met436Ile).